The following is an entry in ClinVar:

NM_001101.5(ACTB):c.575T>A (p.Ile192Asn)

Gene: ACTB (actin beta; minus strand). Cytogenetic location: 7p22.1.
Variant type: single nucleotide variant.
Coding change: c.575T>A on transcript NM_001101.5 (MANE Select); coding-DNA position 575, T replaced by A.
Protein change: p.Ile192Asn; replaces isoleucine 192 with asparagine.
Molecular consequence: missense variant.
Genome position (GRCh38, 1-based): chr7:5,528,508, A>T on the plus strand (T>A on the coding strand, the complement: ACTB is on the minus strand). VCF-style: chr7-5528508-A-T. GRCh37 (hg19) VCF-style: chr7-5568139-A-T.
Other names: c.575T>A (LRG_132t1); short protein forms I192N.
Identifiers: ClinVar variation 636913 (VCV000636913.3), dbSNP rs1584262037, ClinGen allele CA366702703.

ClinVar aggregate classification (germline): Conflicting classifications of pathogenicity. Review status: criteria provided, conflicting classifications (1 of 4 stars). 2 submissions from 2 submitters: Pathogenic (1); Uncertain significance (1). Last evaluated 2025-04-15.

Submissions (2):

GeneDx
Classification: Pathogenic. Last evaluated: 2025-04-15. Review status: criteria provided, single submitter. Criteria: GeneDx Variant Classification Process June 2021. Collection method: clinical testing. Allele origin: germline. Affected: yes.
Comment: Not observed at significant frequency in large population cohorts (gnomAD); Missense variants in this gene are a common cause of disease and they are underrepresented in the general population; In silico analysis supports that this missense variant has a deleterious effect on protein structure/function; This variant is associated with the following publications: (PMID: 34946966)

Blueprint Genetics
Classification: Uncertain significance. Last evaluated: 2019-01-07. Review status: criteria provided, single submitter. Criteria: ACMG Guidelines, 2015. Collection method: clinical testing. Allele origin: germline.